The following is an entry in ClinVar:

ClinVar aggregate classification (germline): Likely benign. Review status: criteria provided, multiple submitters, no conflicts (2 of 4 stars). 3 submissions from 3 submitters: Likely benign (3). Last evaluated 2025-04-24.

Conditions:
Autosomal recessive limb-girdle muscular dystrophy type 2J (LGMDR10). Also called: Limb-girdle muscular dystrophy, type 2J; MUSCULAR DYSTROPHY, LIMB-GIRDLE, AUTOSOMAL RECESSIVE 10. Identifiers: Orphanet 140922, MedGen C1837342, MONDO:0012127, OMIM 608807.
Dilated cardiomyopathy 1G (CMD1G). Identifiers: Orphanet 154, MedGen C1858763, MONDO:0011400, OMIM 604145.
Cardiovascular phenotype. Identifiers: MedGen CN230736.

Allele frequency attached by ClinVar (database versions not stated): ExAC 0.00001; gnomAD exomes 0.00001; TOPMed 0.00002.
gnomAD v4.1: 8 of 1,613,820 alleles (0.0005%); highest among the groups gnomAD compares: Non-Finnish European, 0.00068%; no homozygotes.

Submissions (3):

Labcorp Genetics (formerly Invitae), Labcorp
Classification: Likely benign for Dilated cardiomyopathy 1G; Autosomal recessive limb-girdle muscular dystrophy type 2J. Last evaluated: 2025-04-24. Review status: criteria provided, single submitter. Criteria: Invitae Variant Classification Sherloc (09022015). Collection method: clinical testing. Allele origin: germline.

Ambry Genetics
Classification: Likely benign for Cardiovascular phenotype. Last evaluated: 2024-09-24. Review status: criteria provided, single submitter. Criteria: Ambry Variant Classification Scheme 2023. Collection method: clinical testing. Allele origin: germline.

CeGaT Center for Human Genetics Tuebingen
Classification: Likely benign. Last evaluated: 2023-05-01. Review status: criteria provided, single submitter. Criteria: CeGaT Center For Human Genetics Tuebingen Variant Classification Criteria Version 2. Collection method: clinical testing. Allele origin: germline. Affected: yes. Observed: 1 variant allele.
Comment: TTN: BP4, BP7

NM_001267550.2(TTN):c.84729T>G (p.Ser28243=)

Genes: TTN-AS1 (TTN antisense RNA 1; plus strand), TTN (titin; minus strand). Cytogenetic location: 2q31.2.
Variant type: single nucleotide variant.
Coding change: c.84729T>G on transcript NM_001267550.2 (MANE Select); coding-DNA position 84729, T replaced by G.
Protein change: p.Ser28243=; no amino-acid change (serine 28243 retained).
Molecular consequence: synonymous variant.
Genome position (GRCh38, 1-based): chr2:178,561,403, A>C on the plus strand (T>G on the coding strand, the complement: TTN is on the minus strand). VCF-style: chr2-178561403-A-C. GRCh37 (hg19) VCF-style: chr2-179426130-A-C.
Other names: c.79806T>G, p.Ser26602= (NM_001256850.1); c.57534T>G, p.Ser19178= (NM_003319.4); c.77025T>G, p.Ser25675= (NM_133378.4); c.57909T>G, p.Ser19303= (NM_133432.3); c.58110T>G, p.Ser19370= (NM_133437.4).
Identifiers: ClinVar variation 699105 (VCV000699105.36), dbSNP rs777582284, ClinGen allele CA1988743.
Genomic context (GRCh38, chr2:178,561,403, plus strand): 5'-ATTTGTGACTTCAGGTTGTCCAGGAGGGTCACAAGGATCTCTTGCAGGGACTGGTTCACA[A>C]GATTTACTGCATTTACCAATTCCAGCAATATTTTCAGCATATACACGATACTCATACATC-3'
Protein context (NP_001254479.2, residues 28233-28253): NIAGIGKCSK[Ser28243=]CEPVPARDPC